The following is an entry in ClinVar:

ClinVar aggregate classification (germline): Uncertain significance (1 of 4 stars; one submission).

Allele frequency attached by ClinVar (database versions not stated): TOPMed 0.00001.

Submission:

GeneDx
Classification: Uncertain significance. Last evaluated: 2019-05-12. Review status: criteria provided, single submitter. Criteria: GeneDx Variant Classification Process June 2021. Collection method: clinical testing. Allele origin: germline. Affected: yes.
Comment: In silico analysis, which includes protein predictors and evolutionary conservation, supports a deleterious effect; Not observed in large population cohorts (Lek et al., 2016); Has not been previously published as pathogenic or benign to our knowledge

NM_000875.5(IGF1R):c.379G>A (p.Asp127Asn)

Gene: IGF1R (insulin like growth factor 1 receptor; plus strand). Cytogenetic location: 15q26.3.
Variant type: single nucleotide variant.
Coding change: c.379G>A on transcript NM_000875.5 (MANE Select); coding-DNA position 379, G replaced by A.
Protein change: p.Asp127Asn; replaces aspartic acid 127 with asparagine.
Molecular consequence: missense variant.
Genome position (GRCh38, 1-based): chr15:98,707,846, G>A. VCF-style: chr15-98707846-G-A. GRCh37 (hg19) VCF-style: chr15-99251075-G-A.
Other names: c.379G>A, p.Asp127Asn (NM_001291858.2); short protein forms D127N.
Identifiers: ClinVar variation 1305546 (VCV001305546.2), dbSNP rs1436887637, ClinGen allele CA393697148.